The following is an entry in ClinVar:

ClinVar aggregate classification (germline): Uncertain significance (1 of 4 stars; one submission).

Conditions:
Leukocyte adhesion deficiency 3. Also called: INTEGRIN ACTIVATION DEFICIENCY DISEASE; LEUKOCYTE ADHESION DEFICIENCY 1 VARIANT; Leukocyte adhesion deficiency, type III. Identifiers: Orphanet 2968, Orphanet 99844, MedGen C2748536, MONDO:0013016, OMIM 612840.

Allele frequency attached by ClinVar (database versions not stated): gnomAD exomes below 0.00001 and 0.00001; gnomAD 0.00001; TOPMed 0.00005.

Submission:

Labcorp Genetics (formerly Invitae), Labcorp
Classification: Uncertain significance for Leukocyte adhesion deficiency 3. Last evaluated: 2020-01-27. Review status: criteria provided, single submitter. Criteria: Invitae Variant Classification Sherloc (09022015). Collection method: clinical testing. Allele origin: germline.
Comment: In summary, the available evidence is currently insufficient to determine the role of this variant in disease. Therefore, it has been classified as a Variant of Uncertain Significance. Algorithms developed to predict the effect of missense changes on protein structure and function (SIFT, PolyPhen-2, Align-GVGD) all suggest that this variant is likely to be tolerated, but these predictions have not been confirmed by published functional studies and their clinical significance is uncertain. This variant has not been reported in the literature in individuals with FERMT3-related conditions. This variant is not present in population databases (ExAC no frequency). This sequence change replaces glutamic acid with lysine at codon 159 of the FERMT3 protein (p.Glu159Lys). The glutamic acid residue is moderately conserved and there is a small physicochemical difference between glutamic acid and lysine.

NM_031471.6(FERMT3):c.475G>A (p.Glu159Lys)

Gene: FERMT3 (FERM domain containing kindlin 3; plus strand). Cytogenetic location: 11q13.1.
Variant type: single nucleotide variant.
Coding change: c.475G>A on transcript NM_031471.6 (MANE Select); coding-DNA position 475, G replaced by A.
Protein change: p.Glu159Lys; replaces glutamic acid 159 with lysine.
Molecular consequence: missense variant. On other transcripts: 5 prime UTR variant (2).
Genome position (GRCh38, 1-based): chr11:64,211,132, G>A. VCF-style: chr11-64211132-G-A. GRCh37 (hg19) VCF-style: chr11-63978604-G-A.
Other names: c.475G>A, p.Glu159Lys (NM_001382361.1, NM_001382362.1, NM_001382448.1 and 1 more transcripts); c.-66G>A (NM_001382363.1, NM_001382364.1); short protein forms E159K.
Identifiers: ClinVar variation 1040287 (VCV001040287.9), dbSNP rs895025488, ClinGen allele CA223836472.
Genomic context (GRCh38, chr11:64,211,132, plus strand): 5'-CTGTCCCTGCTCCGGGCTCCTGAGAAGAAGGAGAAGAAGAAGAAAGAGAAGGAGCCAGAG[G>A]AAGAGCTCTATGACTTGAGCAAGGTTGTCTTGGCTGGGGGTGAGTGCAAGTGGGGGTGGG-3'
Protein context (NP_113659.3, residues 149-169): EKKKKEKEPE[Glu159Lys]ELYDLSKVVL